The following is an entry in ClinVar:

NM_000530.8(MPZ):c.77del (p.Pro26fs)

Gene: MPZ (myelin protein zero; minus strand). Cytogenetic location: 1q23.3.
Variant type: Deletion.
Coding change: c.77del on transcript NM_000530.8 (MANE Select); coding-DNA position 77, one base deleted (C; older notation c.77delC).
Protein change: p.Pro26fs; shifts the reading frame from proline 26.
Molecular consequence: frameshift variant.
Genome position (GRCh38, 1-based): chr1:161,307,415, G deleted on the plus strand (C on the coding strand, the reverse complement: MPZ is on the minus strand); the first of 4 consecutive G bases (chr1:161,307,415-161,307,418); deleting any one gives the same sequence. VCF-style (leftmost placement, unchanged base first): chr1-161307414-CG-C. GRCh37 (hg19) VCF-style: chr1-161277204-CG-C.
Other names: c.77del (LRG_256t1); c.77del, p.Pro26fs (NM_001315491.2); short protein forms P26fs.
Identifiers: ClinVar variation 574580 (VCV000574580.6), dbSNP rs1558154754, ClinGen allele CA891843260.

ClinVar aggregate classification (germline): Pathogenic. Review status: criteria provided, multiple submitters, no conflicts (2 of 4 stars). 2 submissions from 2 submitters: Pathogenic (2). Last evaluated 2023-11-28.

Conditions:
Charcot-Marie-Tooth disease, type I (CMT1). Also called: Charcot-Marie-Tooth disease type 1; Charcot-Marie-Tooth, Type 1. Identifiers: Orphanet 65753, MedGen C0751036, MONDO:0019011.

Submissions (2):

Labcorp Genetics (formerly Invitae), Labcorp
Classification: Pathogenic for Charcot-Marie-Tooth disease, type I. Last evaluated: 2023-11-28. Review status: criteria provided, single submitter. Criteria: Invitae Variant Classification Sherloc (09022015). Collection method: clinical testing. Allele origin: germline.
Comment: This sequence change creates a premature translational stop signal (p.Pro26Argfs*21) in the MPZ gene. It is expected to result in an absent or disrupted protein product. Loss-of-function variants in MPZ are known to be pathogenic (PMID: 14711881). This variant is not present in population databases (gnomAD no frequency). This variant has not been reported in the literature in individuals affected with MPZ-related conditions. ClinVar contains an entry for this variant (Variation ID: 574580). For these reasons, this variant has been classified as Pathogenic.

Athena Diagnostics
Classification: Pathogenic. Last evaluated: 2017-12-14. Review status: criteria provided, single submitter. Criteria: Athena Diagnostics Criteria. Collection method: clinical testing. Allele origin: germline.

Literature cited by the submitters: PubMed 14711881 (cited by Labcorp Genetics (formerly Invitae), Labcorp).